The following is an entry in ClinVar:

ClinVar aggregate classification (germline): Uncertain significance (1 of 4 stars; one submission).

Conditions:
Generalized epilepsy with febrile seizures plus, type 9 (GEFSP9). Also called: GEFS+, TYPE 9. Identifiers: Orphanet 36387, MedGen C4015395, MONDO:0014517, OMIM 616172.

Submission:

Labcorp Genetics (formerly Invitae), Labcorp
Classification: Uncertain significance for Generalized epilepsy with febrile seizures plus, type 9. Last evaluated: 2021-04-17. Review status: criteria provided, single submitter. Criteria: Invitae Variant Classification Sherloc (09022015). Collection method: clinical testing. Allele origin: germline.
Comment: In summary, the available evidence is currently insufficient to determine the role of this variant in disease. Therefore, it has been classified as a Variant of Uncertain Significance. Algorithms developed to predict the effect of sequence changes on RNA splicing suggest that this variant may create or strengthen a splice site, but this prediction has not been confirmed by published transcriptional studies. Algorithms developed to predict the effect of missense changes on protein structure and function (SIFT, PolyPhen-2, Align-GVGD) all suggest that this variant is likely to be disruptive, but these predictions have not been confirmed by published functional studies and their clinical significance is uncertain. This variant has not been reported in the literature in individuals with STX1B-related conditions. This variant is not present in population databases (ExAC no frequency). This sequence change replaces leucine with valine at codon 211 of the STX1B protein (p.Leu211Val). The leucine residue is highly conserved and there is a small physicochemical difference between leucine and valine.

NM_052874.5(STX1B):c.631C>G (p.Leu211Val)

Gene: STX1B (syntaxin 1B; minus strand). Cytogenetic location: 16p11.2.
Variant type: single nucleotide variant.
Coding change: c.631C>G on transcript NM_052874.5 (MANE Select); coding-DNA position 631, C replaced by G.
Protein change: p.Leu211Val; replaces leucine 211 with valine.
Molecular consequence: missense variant.
Genome position (GRCh38, 1-based): chr16:30,993,391, G>C on the plus strand (C>G on the coding strand, the complement: STX1B is on the minus strand). VCF-style: chr16-30993391-G-C. GRCh37 (hg19) VCF-style: chr16-31004712-G-C.
Other names: short protein forms L211V.
Identifiers: ClinVar variation 1494808 (VCV001494808.8), dbSNP rs2143661836, ClinGen allele CA395647228.